The following is an entry in ClinVar:

NM_000492.4(CFTR):c.600C>A (p.Phe200Leu)

Gene: CFTR (CF transmembrane conductance regulator; plus strand). Cytogenetic location: 7q31.2.
Variant type: single nucleotide variant.
Coding change: c.600C>A on transcript NM_000492.4 (MANE Select); coding-DNA position 600, C replaced by A.
Protein change: p.Phe200Leu; replaces phenylalanine 200 with leucine.
Molecular consequence: missense variant.
Genome position (GRCh38, 1-based): chr7:117,535,268, C>A. VCF-style: chr7-117535268-C-A. GRCh37 (hg19) VCF-style: chr7-117175322-C-A.
Other names: short protein forms F200L.
Identifiers: ClinVar variation 2889321 (VCV002889321.3), dbSNP rs753492211, ClinGen allele CA4450781.

ClinVar aggregate classification (germline): Uncertain significance (1 of 4 stars; one submission).

Conditions:
Cystic fibrosis (CF). Also called: MUCOVISCIDOSIS. Identifiers: Orphanet 586, MedGen C0010674, MONDO:0009061, OMIM 219700. Disease mechanism: loss of function.

Allele frequency attached by ClinVar (database versions not stated): ExAC 0.00001.

Submission:

Labcorp Genetics (formerly Invitae), Labcorp
Classification: Uncertain significance for Cystic fibrosis. Last evaluated: 2023-06-09. Review status: criteria provided, single submitter. Criteria: Invitae Variant Classification Sherloc (09022015). Collection method: clinical testing. Allele origin: germline.
Comment: In summary, the available evidence is currently insufficient to determine the role of this variant in disease. Therefore, it has been classified as a Variant of Uncertain Significance. Algorithms developed to predict the effect of sequence changes on RNA splicing suggest that this variant may disrupt the consensus splice site. Advanced modeling of protein sequence and biophysical properties (such as structural, functional, and spatial information, amino acid conservation, physicochemical variation, residue mobility, and thermodynamic stability) performed at Invitae indicates that this missense variant is expected to disrupt CFTR protein function. This missense change has been observed in individual(s) with clinical features of cystic fibrosis (Invitae). In at least one individual the data is consistent with being in trans (on the opposite chromosome) from a pathogenic variant. This variant is present in population databases (rs753492211, gnomAD 0.002%). This sequence change replaces phenylalanine, which is neutral and non-polar, with leucine, which is neutral and non-polar, at codon 200 of the CFTR protein (p.Phe200Leu).